The following is an entry in ClinVar:

NM_001374828.1(ARID1B):c.2380G>T (p.Ala794Ser)

Gene: ARID1B (AT-rich interaction domain 1B; plus strand). Cytogenetic location: 6q25.3.
Variant type: single nucleotide variant.
Coding change: c.2380G>T on transcript NM_001374828.1 (MANE Select); coding-DNA position 2380, G replaced by T.
Protein change: p.Ala794Ser; replaces alanine 794 with serine.
Molecular consequence: missense variant. On other transcripts: 5 prime UTR variant (1).
Genome position (GRCh38, 1-based): chr6:157,084,794, G>T. VCF-style: chr6-157084794-G-T. GRCh37 (hg19) VCF-style: chr6-157405928-G-T.
Other names: c.2131G>T, p.Ala711Ser (NM_001346813.1); c.-120G>T (NM_001363725.2); c.2419G>T, p.Ala807Ser (NM_001371656.1, NM_001374820.1); c.2380G>T, p.Ala794Ser (NM_017519.3); c.2170G>T, p.Ala724Ser (NM_020732.3); c.1957G>T, p.Ala653Ser (NM_175863.2); short protein forms A653S, A711S, A724S, A794S, A807S.
Identifiers: ClinVar variation 2444744 (VCV002444744.1), dbSNP rs1420907045, ClinGen allele CA366387283.
Genomic context (GRCh38, chr6:157,084,794, plus strand): 5'-GGGTCCACGAGCAGCCAAGGGGATCAGAGCAACCCGGCGCAGTCGCCTTTCTCCCCACAT[G>T]CGTCCCCTCATCTCTCCAGCATCCCGGGGGGCCCATCTCCCTCTCCTGTTGGCTCTCCTG-3'
Protein context (NP_001361757.1, residues 784-804): NPAQSPFSPH[Ala794Ser]SPHLSSIPGG

ClinVar aggregate classification (germline): Uncertain significance (1 of 4 stars; one submission).

Submission:

GeneDx
Classification: Uncertain significance. Last evaluated: 2022-09-15. Review status: criteria provided, single submitter. Criteria: GeneDx Variant Classification Process June 2021. Collection method: clinical testing. Allele origin: germline. Affected: yes.
Comment: Not observed at significant frequency in large population cohorts (gnomAD); In silico analysis supports that this missense variant does not alter protein structure/function; Has not been previously published as pathogenic or benign to our knowledge; In-silico analysis is inconclusive as to whether the variant alters gene splicing. In the absence of RNA/functional studies, the actual effect of this sequence change is unknown.